The following is an entry in ClinVar:

NM_000059.4(BRCA2):c.6771C>G (p.Pro2257=)

Gene: BRCA2 (BRCA2 DNA repair associated; plus strand). Cytogenetic location: 13q13.1.
Variant type: single nucleotide variant.
Coding change: c.6771C>G on transcript NM_000059.4 (MANE Select); coding-DNA position 6771, C replaced by G.
Protein change: p.Pro2257=; no amino-acid change (proline 2257 retained).
Molecular consequence: synonymous variant.
Genome position (GRCh38, 1-based): chr13:32,341,126, C>G. VCF-style: chr13-32341126-C-G. GRCh37 (hg19) VCF-style: chr13-32915263-C-G.
Identifiers: ClinVar variation 427512 (VCV000427512.20), dbSNP rs373696964, ClinGen allele CA6940982.

ClinVar aggregate classification (germline): Likely benign. Review status: reviewed by expert panel (3 of 4 stars). 4 submissions from 4 submitters: Likely benign (1). 3 of the submissions do not count toward it. Last evaluated 2017-06-29.

Conditions:
Hereditary cancer-predisposing syndrome. Also called: Hereditary neoplastic syndrome; Hereditary Cancer Syndrome; Neoplastic Syndromes, Hereditary; Tumor predisposition. Identifiers: Orphanet 140162, MedGen C0027672, MeSH D009386, MONDO:0015356.
Breast-ovarian cancer, familial, susceptibility to, 2 (BROVCA2). Also called: BRCA2 Hereditary Breast and Ovarian Cancer. Identifiers: Orphanet 145, MedGen C2675520, MONDO:0012933, OMIM 612555. Disease mechanism: loss of function.
Hereditary breast ovarian cancer syndrome. Also called: Hereditary breast and ovarian cancer syndrome; BRCA1- and BRCA2-Associated Hereditary Breast and Ovarian Cancer; Hereditary breast and/or ovarian cancer syndrome; Hereditary breast and ovarian cancer; Breast and ovarian cancer; Hereditary breast and ovarian cancer syndrome (HBOC). Identifiers: Orphanet 145, MedGen C0677776, MeSH D061325, MONDO:0003582. Disease mechanism: loss of function.

Allele frequency attached by ClinVar (database versions not stated): TOPMed 0.00002; ESP Exome Variant Server 0.00008.
gnomAD v4.1: 3 of 1,613,594 alleles (0.00019%); highest among the groups gnomAD compares: African/African-American, 0.004%; no homozygotes.

Submissions (4):

Evidence-based Network for the Interpretation of Germline Mutant Alleles (ENIGMA)
Classification: Likely benign for Breast-ovarian cancer, familial, susceptibility to, 2. Last evaluated: 2017-06-29. Review status: reviewed by expert panel. Criteria: ENIGMA BRCA1/2 Classification Criteria (2017-06-29). Collection method: curation. Allele origin: germline.
Comment: Synonymous substitution variant, with low bioinformatic likelihood to result in a splicing aberration (Splicing prior probability 0.02).

Labcorp Genetics (formerly Invitae), Labcorp
Classification: Likely benign for Hereditary breast ovarian cancer syndrome. Last evaluated: 2025-12-15. Review status: criteria provided, single submitter. Criteria: Invitae Variant Classification Sherloc (09022015). Collection method: clinical testing. Allele origin: germline. Not counted in ClinVar's aggregate classification.

Color Diagnostics, LLC DBA Color Health
Classification: Likely benign for Hereditary cancer-predisposing syndrome. Last evaluated: 2016-04-21. Review status: criteria provided, single submitter. Criteria: ACMG Guidelines, 2015. Collection method: clinical testing. Allele origin: germline. Not counted in ClinVar's aggregate classification.

Ambry Genetics
Classification: Likely benign for Hereditary cancer-predisposing syndrome. Last evaluated: 2016-02-22. Review status: criteria provided, single submitter. Criteria: Ambry Variant Classification Scheme 2023. Collection method: clinical testing. Allele origin: germline. Not counted in ClinVar's aggregate classification.